The following is an entry in ClinVar:

NM_002432.3(MNDA):c.1204G>A (p.Gly402Arg)

Gene: MNDA (myeloid cell nuclear differentiation antigen; plus strand). Cytogenetic location: 1q23.1.
Variant type: single nucleotide variant.
Coding change: c.1204G>A on transcript NM_002432.3 (MANE Select); coding-DNA position 1204, G replaced by A.
Protein change: p.Gly402Arg; replaces glycine 402 with arginine.
Molecular consequence: missense variant.
Genome position (GRCh38, 1-based): chr1:158,849,217, G>A. VCF-style: chr1-158849217-G-A. GRCh37 (hg19) VCF-style: chr1-158819007-G-A.
Other names: short protein forms G402R.
Identifiers: ClinVar variation 1748407 (VCV001748407.3), dbSNP rs761448098, ClinGen allele CA1185834.

ClinVar aggregate classification (germline): Uncertain significance (1 of 4 stars; one submission).

Allele frequency attached by ClinVar (database versions not stated): gnomAD 0.00001; ExAC 0.00003.
gnomAD v4.1: 13 of 1,611,114 alleles (0.00081%); highest among the groups gnomAD compares: South Asian, 0.013%; no homozygotes.

Submission:

Ambry Genetics
Classification: Uncertain significance. Last evaluated: 2024-06-17. Review status: criteria provided, single submitter. Criteria: Ambry Variant Classification Scheme 2023. Collection method: clinical testing. Allele origin: germline.
Comment: The p.G402R variant (also known as c.1204G>A), located in coding exon 6 of the MNDA gene, results from a G to A substitution at nucleotide position 1204. The glycine at codon 402 is replaced by arginine, an amino acid with dissimilar properties. This amino acid position is conserved. In addition, this alteration is predicted to be tolerated by in silico analysis. Since supporting evidence is limited at this time, the clinical significance of this alteration remains unclear.